The following is an entry in ClinVar:

ClinVar aggregate classification (germline): Uncertain significance (1 of 4 stars; one submission).

Submission:

Labcorp Genetics (formerly Invitae), Labcorp
Classification: Uncertain significance. Last evaluated: 2022-07-10. Review status: criteria provided, single submitter. Criteria: Invitae Variant Classification Sherloc (09022015). Collection method: clinical testing. Allele origin: germline.
Comment: In summary, the available evidence is currently insufficient to determine the role of this variant in disease. Therefore, it has been classified as a Variant of Uncertain Significance. Experimental studies and prediction algorithms are not available or were not evaluated, and the functional significance of this variant is currently unknown. This variant has not been reported in the literature in individuals affected with FH-related conditions. This variant results in a copy number gain of the genomic region encompassing exon(s) 3-10 of the FH gene. This region includes the termination codon of the gene. This copy number gain extends beyond the assayed region for this gene and therefore may encompass additional genes. As the precise location of this event is unknown, it may be in tandem or it may be located elsewhere in the genome.

NC_000001.10:g.(?_241661128)_(241677023_?)dup

Gene: FH (fumarate hydratase; minus strand). Cytogenetic location: 1q43.
Variant type: Duplication.
Identifiers: ClinVar variation 2422460 (VCV002422460.4).